The following is an entry in ClinVar:

NM_020822.3(KCNT1):c.1717C>T (p.Arg573Cys)

Gene: KCNT1 (potassium sodium-activated channel subfamily T member 1; plus strand). Cytogenetic location: 9q34.3.
Variant type: single nucleotide variant.
Coding change: c.1717C>T on transcript NM_020822.3 (MANE Select); coding-DNA position 1717, C replaced by T.
Protein change: p.Arg573Cys; replaces arginine 573 with cysteine.
Molecular consequence: missense variant.
Genome position (GRCh38, 1-based): chr9:135,770,395, C>T. VCF-style: chr9-135770395-C-T. GRCh37 (hg19) VCF-style: chr9-138662241-C-T.
Other names: c.1582C>T, p.Arg528Cys (NM_001272003.2); short protein forms R573C, R528C.
Identifiers: ClinVar variation 500199 (VCV000500199.51), dbSNP rs557219607, ClinGen allele CA5327039.

ClinVar aggregate classification (germline): Uncertain significance. Review status: criteria provided, multiple submitters, no conflicts (2 of 4 stars). 6 submissions from 5 submitters: Uncertain significance (6). Last evaluated 2025-10-26.

Conditions:
Autosomal dominant nocturnal frontal lobe epilepsy 5. Also called: CILIARY DYSKINESIA, PRIMARY, 28, WITHOUT SITUS INVERSUS; CILIARY DYSKINESIA, PRIMARY, 28, WITH SITUS INVERSUS; KCNT1-Related Epilepsy; Epilepsy, nocturnal frontal lobe, 5. Identifiers: Orphanet 98784, MedGen C3554306, MONDO:0014002, OMIM 615005.
Developmental and epileptic encephalopathy, 14 (DEE14). Also called: Early infantile epileptic encephalopathy 14. Identifiers: Orphanet 293181, MedGen C3554195, MONDO:0013989, OMIM 614959.

Allele frequency attached by ClinVar (database versions not stated): gnomAD 0.00002 and 0.00003; gnomAD exomes 0.00003; TOPMed 0.00003; ExAC 0.00004; 1000 Genomes Project 30x 0.00016; 1000 Genomes Project 0.00020.
gnomAD v4.1: 34 of 1,613,246 alleles (0.0021%); highest among the groups gnomAD compares: Admixed American, 0.017%; no homozygotes.

Submissions (6):

Labcorp Genetics (formerly Invitae), Labcorp
Classification: Uncertain significance for Autosomal dominant nocturnal frontal lobe epilepsy 5; Developmental and epileptic encephalopathy, 14. Last evaluated: 2025-10-26. Review status: criteria provided, single submitter. Criteria: Invitae Variant Classification Sherloc (09022015). Collection method: clinical testing. Allele origin: germline.
Comment: This sequence change replaces arginine, which is basic and polar, with cysteine, which is neutral and slightly polar, at codon 573 of the KCNT1 protein (p.Arg573Cys). This variant is present in population databases (rs557219607, gnomAD 0.01%). This variant has not been reported in the literature in individuals affected with KCNT1-related conditions. ClinVar contains an entry for this variant (Variation ID: 500199). Invitae Evidence Modeling of protein sequence and biophysical properties (such as structural, functional, and spatial information, amino acid conservation, physicochemical variation, residue mobility, and thermodynamic stability) indicates that this missense variant is not expected to disrupt KCNT1 protein function with a negative predictive value of 80%. In summary, the available evidence is currently insufficient to determine the role of this variant in disease. Therefore, it has been classified as a Variant of Uncertain Significance.

Genome-Nilou Lab
Classification: Uncertain significance for Developmental and epileptic encephalopathy, 14. Last evaluated: 2022-03-15. Review status: criteria provided, single submitter. Criteria: ACMG Guidelines, 2015. Collection method: clinical testing. Allele origin: germline. Affected: no.

Genome-Nilou Lab
Classification: Uncertain significance for Autosomal dominant nocturnal frontal lobe epilepsy 5. Last evaluated: 2022-03-15. Review status: criteria provided, single submitter. Criteria: ACMG Guidelines, 2015. Collection method: clinical testing. Allele origin: germline. Affected: no.

CeGaT Center for Human Genetics Tuebingen
Classification: Uncertain significance. Last evaluated: 2020-09-01. Review status: criteria provided, single submitter. Criteria: CeGaT Center For Human Genetics Tuebingen Variant Classification Criteria Version 2. Collection method: clinical testing. Allele origin: germline. Affected: yes. Observed: 1 variant allele.

Eurofins Ntd Llc (ga)
Classification: Uncertain significance. Last evaluated: 2017-03-08. Review status: criteria provided, single submitter. Criteria: EGL Classification Definitions 2015. Collection method: clinical testing. Allele origin: germline. Observed: 1 variant allele, 1 heterozygote.

Breakthrough Genomics
Classification: Uncertain significance. Review status: criteria provided, single submitter. Criteria: ACMG Guidelines, 2015. Collection method: not provided. Allele origin: germline. Inheritance: Autosomal dominant inheritance. Affected: yes.